The following is an entry in ClinVar:

NM_006493.4(CLN5):c.47GCGCGG[3] (p.16GA[3])

Genes: CLN5 (CLN5 lysosomal BMP synthase; plus strand), LOC130009913 (ATAC-STARR-seq lymphoblastoid silent region 5414; plus strand). Cytogenetic location: 13q22.3.
Variant type: Microsatellite.
Coding change: c.47GCGCGG[3] on transcript NM_006493.4 (MANE Select); three copies in a row of the 6-base unit GCGCGG starting at c.47; the reference has two copies in a row; one copy, 6 bases duplicated.
Protein change: p.16GA[3].
Molecular consequence: inframe insertion.
Genome position (GRCh38, 1-based): chr13:76,992,151-76,992,156, GCGCGG duplicated; duplicating any 6 consecutive bases within chr13:76,992,143-76,992,156 gives the same sequence; the position shown is the placement nearest the transcript's 3' end. VCF-style (leftmost placement, unchanged base first): chr13-76992142-G-GGGGCGC. GRCh37 (hg19) VCF-style: chr13-77566277-G-GGGGCGC.
Other names: c.47GCGCGG[3], p.16GA[3] (NM_001366624.2); c.200_205dup6 (NM_006493.2).
Identifiers: ClinVar variation 205126 (VCV000205126.7), dbSNP rs1409904698, ClinGen allele CA313864.
Genomic context (GRCh38, chr13:76,992,142, plus strand): 5'-GTACTGGGTGCAGCCTGATGGCGCAGGAGGTAGACACGGCACAGGGCGCCGAGATGCGGC[G>GGGGCGC]GGGCGCGGGCGCGGCTCGGGGACGCGCTTCCTGGTGCTGGGCCCTGGCGCTGCTTTGGCT-3'

ClinVar aggregate classification (germline): Conflicting classifications of pathogenicity. Review status: criteria provided, conflicting classifications (1 of 4 stars). 4 submissions from 4 submitters: Uncertain significance (2); Likely benign (1). 1 of the submissions does not count toward it. Last evaluated 2024-10-17.

Conditions:
Neuronal ceroid lipofuscinosis. Also called: Neuronal Ceroid Lipofuscinoses. Identifiers: Orphanet 216, Orphanet 79263, MedGen C0027877, MONDO:0016295. Disease mechanism: loss of function.
Neuronal ceroid lipofuscinosis 5 (CLN5). Also called: Neuronal ceroid lipofuscinosis Finnish variant; NEURONAL CEROID LIPOFUSCINOSIS, LATE INFANTILE, FINNISH VARIANT; CLN5-Related Neuronal Ceroid-Lipofuscinosis; CEROID LIPOFUSCINOSIS, NEURONAL, 5, VARIABLE AGE AT ONSET. Identifiers: Orphanet 168491, Orphanet 228360, MedGen C1850442, MONDO:0009745, OMIM 256731.

Submissions (4):

Blueprint Genetics
Classification: Uncertain significance. Last evaluated: 2024-10-17. Review status: criteria provided, single submitter. Criteria: ACMG Guidelines, 2015. Collection method: clinical testing. Allele origin: germline.

Labcorp Genetics (formerly Invitae), Labcorp
Classification: Uncertain significance for Neuronal ceroid lipofuscinosis. Last evaluated: 2022-11-01. Review status: criteria provided, single submitter. Criteria: Invitae Variant Classification Sherloc (09022015). Collection method: clinical testing. Allele origin: germline.
Comment: This variant, c.200_205dup, results in the insertion of 2 amino acid(s) of the CLN5 protein (p.Gly67_Ala68dup), but otherwise preserves the integrity of the reading frame. This variant is present in population databases (rs758659588, gnomAD 0.03%). This variant has not been reported in the literature in individuals affected with CLN5-related conditions. ClinVar contains an entry for this variant (Variation ID: 205126). Experimental studies and prediction algorithms are not available or were not evaluated, and the functional significance of this variant is currently unknown. In summary, the available evidence is currently insufficient to determine the role of this variant in disease. Therefore, it has been classified as a Variant of Uncertain Significance.

GeneDx
Classification: Likely benign. Last evaluated: 2013-12-04. Review status: criteria provided, single submitter. Criteria: GeneDx Variant Classification (06012015). Collection method: clinical testing. Allele origin: germline. Affected: yes.
Comment: The variant is found in INFANT-EPI panel(s).

Counsyl
Classification: Uncertain significance for Neuronal ceroid lipofuscinosis 5. Last evaluated: 2017-12-07. Review status: no assertion criteria provided. Collection method: clinical testing. Allele origin: unknown. Not counted in ClinVar's aggregate classification.